The following is an entry in ClinVar:

ClinVar aggregate classification (germline): Uncertain significance. Review status: criteria provided, multiple submitters, no conflicts (2 of 4 stars). 2 submissions from 2 submitters: Uncertain significance (2). Last evaluated 2024-04-29.

Conditions:
Familial thoracic aortic aneurysm and aortic dissection (TAAD). Also called: Thoracic aortic aneurysms and dissections. Identifiers: Orphanet 91387, MedGen C4707243, MONDO:0019625.
Aortic aneurysm, familial thoracic 4 (AAT4). Also called: AORTIC ANEURYSM/AORTIC DISSECTION AND PATENT DUCTUS ARTERIOSUS. Identifiers: MedGen C1851504, MONDO:0007568, OMIM 132900.

Allele frequency attached by ClinVar (database versions not stated): TOPMed below 0.00001; gnomAD 0.00001; gnomAD exomes below 0.00001.
gnomAD v4.1: 4 of 1,614,040 alleles (0.00025%); highest among the groups gnomAD compares: South Asian, 0.0011%; no homozygotes.

Submissions (2):

Color Diagnostics, LLC DBA Color Health
Classification: Uncertain significance for Familial thoracic aortic aneurysm and aortic dissection. Last evaluated: 2024-04-29. Review status: criteria provided, single submitter. Criteria: ACMG Guidelines, 2015. Collection method: clinical testing. Allele origin: germline.
Comment: This missense variant replaces methionine with threonine at codon 498 of the MYH11 protein. Computational prediction tools indicate that this variant has a deleterious impact on protein structure and function. To our knowledge, functional studies have not been reported for this variant. This variant has not been reported in individuals affected with MYH11-related disorders in the literature. This variant has not been identified in the general population by the Genome Aggregation Database (gnomAD). The available evidence is insufficient to determine the role of this variant in disease conclusively. Therefore, this variant is classified as a Variant of Uncertain Significance.

ARUP Laboratories, Molecular Genetics and Genomics, ARUP Laboratories
Classification: Uncertain significance for Aortic aneurysm, familial thoracic 4. Last evaluated: 2020-01-20. Review status: criteria provided, single submitter. Criteria: ARUP Molecular Germline Variant Investigation Process. Collection method: clinical testing. Allele origin: germline.

NM_002474.3(MYH11):c.1472T>C (p.Met491Thr)

Gene: MYH11 (myosin heavy chain 11; minus strand). Cytogenetic location: 16p13.11.
Variant type: single nucleotide variant.
Coding change: c.1472T>C on transcript NM_002474.3 (MANE Select); coding-DNA position 1472, T replaced by C.
Protein change: p.Met491Thr; replaces methionine 491 with threonine.
Molecular consequence: missense variant.
Genome position (GRCh38, 1-based): chr16:15,757,930, A>G on the plus strand (T>C on the coding strand, the complement: MYH11 is on the minus strand). VCF-style: chr16-15757930-A-G. GRCh37 (hg19) VCF-style: chr16-15851787-A-G.
Other names: c.1493T>C, p.Met498Thr (NM_001040113.2, NM_001040114.2); c.1472T>C, p.Met491Thr (NM_022844.3); short protein forms M491T, M498T.
Identifiers: ClinVar variation 993429 (VCV000993429.9), dbSNP rs1236697376, ClinGen allele CA394871212.